The following is an entry in ClinVar:

ClinVar aggregate classification (germline): Uncertain significance. Review status: criteria provided, multiple submitters, no conflicts (2 of 4 stars). 2 submissions from 2 submitters: Uncertain significance (2). Last evaluated 2024-02-17.

Conditions:
Charcot-Marie-Tooth disease dominant intermediate C (CMTDIC). Also called: CHARCOT-MARIE-TOOTH NEUROPATHY, DOMINANT INTERMEDIATE C. Identifiers: Orphanet 100045, MedGen C1842237, MONDO:0012012, OMIM 608323.

Allele frequency attached by ClinVar (database versions not stated): ExAC 0.00001; gnomAD exomes 0.00001; TOPMed 0.00001; gnomAD 0.00003.
gnomAD v4.1: 18 of 1,613,852 alleles (0.0011%); highest among the groups gnomAD compares: East Asian, 0.0067%; no homozygotes.

Submissions (2):

Labcorp Genetics (formerly Invitae), Labcorp
Classification: Uncertain significance for Charcot-Marie-Tooth disease dominant intermediate C. Last evaluated: 2024-02-17. Review status: criteria provided, single submitter. Criteria: Invitae Variant Classification Sherloc (09022015). Collection method: clinical testing. Allele origin: germline.
Comment: This sequence change replaces alanine, which is neutral and non-polar, with threonine, which is neutral and polar, at codon 503 of the YARS protein (p.Ala503Thr). This variant is present in population databases (rs778099655, gnomAD 0.007%). This variant has not been reported in the literature in individuals affected with YARS-related conditions. ClinVar contains an entry for this variant (Variation ID: 297148). Advanced modeling of protein sequence and biophysical properties (such as structural, functional, and spatial information, amino acid conservation, physicochemical variation, residue mobility, and thermodynamic stability) performed at Invitae indicates that this missense variant is expected to disrupt YARS protein function with a positive predictive value of 80%. In summary, the available evidence is currently insufficient to determine the role of this variant in disease. Therefore, it has been classified as a Variant of Uncertain Significance.

Illumina Laboratory Services, Illumina
Classification: Uncertain significance for Charcot-Marie-Tooth disease dominant intermediate C. Last evaluated: 2018-01-13. Review status: criteria provided, single submitter. Criteria: ICSL Variant Classification Criteria 13 December 2019. Collection method: clinical testing. Allele origin: germline.

NM_003680.4(YARS1):c.1507G>A (p.Ala503Thr)

Gene: YARS1 (tyrosyl-tRNA synthetase 1; minus strand). Cytogenetic location: 1p35.1.
Variant type: single nucleotide variant.
Coding change: c.1507G>A on transcript NM_003680.4 (MANE Select); coding-DNA position 1507, G replaced by A.
Protein change: p.Ala503Thr; replaces alanine 503 with threonine.
Molecular consequence: missense variant.
Genome position (GRCh38, 1-based): chr1:32,776,061, C>T on the plus strand (G>A on the coding strand, the complement: YARS1 is on the minus strand). VCF-style: chr1-32776061-C-T. GRCh37 (hg19) VCF-style: chr1-33241662-C-T.
Other names: short protein forms A503T.
Identifiers: ClinVar variation 297148 (VCV000297148.14), dbSNP rs778099655, ClinGen allele CA744865.
Genomic context (GRCh38, chr1:32,776,061, plus strand): 5'-TCAGCGATTTACAGGAAATGGAGCCCAGCTTGGTCATGAAGTTGGTTTGCTTCCACTGTG[C>T]GATGCACTCCTCAGAAATTTTGAAGTCAGCCTGGACAAGACAGATAAGAGAGATTTTAAT-3'
Protein context (NP_003671.1, residues 493-513): ADFKISEECI[Ala503Thr]QWKQTNFMTK